The following is an entry in ClinVar:

NM_001042492.3(NF1):c.7876C>G (p.Leu2626Val)

Gene: NF1 (neurofibromin 1; plus strand). Cytogenetic location: 17q11.2.
Variant type: single nucleotide variant.
Coding change: c.7876C>G on transcript NM_001042492.3 (MANE Select); coding-DNA position 7876, C replaced by G.
Protein change: p.Leu2626Val; replaces leucine 2626 with valine.
Molecular consequence: missense variant.
Genome position (GRCh38, 1-based): chr17:31,357,275, C>G. VCF-style: chr17-31357275-C-G. GRCh37 (hg19) VCF-style: chr17-29684293-C-G.
Other names: c.7813C>G, p.Leu2605Val (NM_000267.4); short protein forms L2605V, L2626V.
Identifiers: ClinVar variation 485954 (VCV000485954.14), dbSNP rs1555536748, ClinGen allele CA399018775.

ClinVar aggregate classification (germline): Conflicting classifications of pathogenicity. Review status: criteria provided, conflicting classifications (1 of 4 stars). 4 submissions from 4 submitters: Uncertain significance (3); Likely benign (1). Last evaluated 2025-11-17.

Conditions:
Cardiovascular phenotype. Identifiers: MedGen CN230736.
Hereditary cancer-predisposing syndrome. Also called: Tumor predisposition; Neoplastic Syndromes, Hereditary; Hereditary Cancer Syndrome; Hereditary neoplastic syndrome. Identifiers: Orphanet 140162, MedGen C0027672, MeSH D009386, MONDO:0015356.
Juvenile myelomonocytic leukemia (JMML). Also called: LEUKEMIA, JUVENILE MYELOMONOCYTIC, SOMATIC. Identifiers: Orphanet 86834, MedGen C0349639, MONDO:0011908, OMIM 607785, HP:0012209.
Neurofibromatosis, type 1 (NF1). Also called: NEUROFIBROMATOSIS, TYPE I, SOMATIC; VON RECKLINGHAUSEN DISEASE; Neurofibromatosis, type I; Peripheral type neurofibromatosis. Identifiers: Orphanet 636, MedGen C0027831, MONDO:0018975, OMIM 162200. Disease mechanism: loss of function.

Allele frequency attached by ClinVar (database versions not stated): TOPMed below 0.00001; gnomAD 0.00001; gnomAD exomes 0.00001.
gnomAD v4.1: 4 of 1,613,566 alleles (0.00025%); highest among the groups gnomAD compares: African/African-American, 0.0013%; no homozygotes.

Submissions (4):

Labcorp Genetics (formerly Invitae), Labcorp
Classification: Likely benign for Neurofibromatosis, type 1. Last evaluated: 2025-11-17. Review status: criteria provided, single submitter. Criteria: Invitae Variant Classification Sherloc (09022015). Collection method: clinical testing. Allele origin: germline.

Baylor Genetics
Classification: Uncertain significance for Juvenile myelomonocytic leukemia. Last evaluated: 2023-08-30. Review status: criteria provided, single submitter. Criteria: ACMG Guidelines, 2015. Collection method: clinical testing. Allele origin: unknown.

Ambry Genetics
Classification: Uncertain significance for Cardiovascular phenotype; Hereditary cancer-predisposing syndrome. Last evaluated: 2022-04-29. Review status: criteria provided, single submitter. Criteria: Ambry Variant Classification Scheme 2023. Collection method: clinical testing. Allele origin: germline.
Comment: The p.L2605V variant (also known as c.7813C>G), located in coding exon 53 of the NF1 gene, results from a C to G substitution at nucleotide position 7813. The leucine at codon 2605 is replaced by valine, an amino acid with highly similar properties. This amino acid position is well conserved in available vertebrate species. In addition, this alteration is predicted to be tolerated by in silico analysis. Since supporting evidence is limited at this time, the clinical significance of this alteration remains unclear.

Genome-Nilou Lab
Classification: Uncertain significance for Neurofibromatosis, type 1. Last evaluated: 2022-03-15. Review status: criteria provided, single submitter. Criteria: ACMG Guidelines, 2015. Collection method: clinical testing. Allele origin: germline. Affected: no.